The following is an entry in ClinVar:

NM_178138.6(LHX3):c.79+1920del

Gene: LHX3 (LIM homeobox 3; minus strand). Cytogenetic location: 9q34.3.
Variant type: Deletion.
Coding change: c.79+1920del on transcript NM_178138.6 (MANE Select); 1920 bases into the intron after coding-DNA position 79, one base deleted (C; older notation c.79+1920delC).
Molecular consequence: intron variant. On other transcripts: frameshift variant (1).
Genome position (GRCh38, 1-based): chr9:136,203,014, G deleted on the plus strand (C on the coding strand, the reverse complement: LHX3 is on the minus strand); the first of 3 consecutive G bases (chr9:136,203,014-136,203,016); deleting any one gives the same sequence. VCF-style (leftmost placement, unchanged base first): chr9-136203013-CG-C. GRCh37 (hg19) VCF-style: chr9-139094859-CG-C.
Other names: c.26del, p.Pro9fs (NM_014564.5); short protein forms P9fs.
Identifiers: ClinVar variation 2110904 (VCV002110904.4), dbSNP rs2490926406, ClinGen allele CA2580080115.
Genomic context (GRCh38, chr9:136,203,013, plus strand): 5'-CAGGTCCGCCCTCCGCGCCAGCAGTGCTAGCAGCAGGTCGCCTCCCGCCGACTCCCGGGC[CG>C]GGCCCAGCTCCCCGCGCGCCTCCATGGGTCCCGCCGCCCGGCGTCGCCACTCTCCAGTCC-3'

ClinVar aggregate classification (germline): Pathogenic (1 of 4 stars; one submission).

Submission:

Labcorp Genetics (formerly Invitae), Labcorp
Classification: Pathogenic. Last evaluated: 2022-03-23. Review status: criteria provided, single submitter. Criteria: Invitae Variant Classification Sherloc (09022015). Collection method: clinical testing. Allele origin: germline.
Comment: For these reasons, this variant has been classified as Pathogenic. This variant has not been reported in the literature in individuals affected with LHX3-related conditions. This variant is not present in population databases (gnomAD no frequency). This sequence change creates a premature translational stop signal (p.Pro9Argfs*12) in the LHX3 gene. It is expected to result in an absent or disrupted protein product. Loss-of-function variants in LHX3 are known to be pathogenic (PMID: 16394081, 18407919).

Literature cited by the submitters: PubMed 16394081; PubMed 18407919.